The following is an entry in ClinVar:

ClinVar aggregate classification (germline): Uncertain significance (1 of 4 stars; one submission).

Conditions:
Autosomal dominant nocturnal frontal lobe epilepsy 5. Also called: Epilepsy, nocturnal frontal lobe, 5; KCNT1-Related Epilepsy; CILIARY DYSKINESIA, PRIMARY, 28, WITHOUT SITUS INVERSUS; CILIARY DYSKINESIA, PRIMARY, 28, WITH SITUS INVERSUS. Identifiers: Orphanet 98784, MedGen C3554306, MONDO:0014002, OMIM 615005.
Developmental and epileptic encephalopathy, 14 (DEE14). Also called: Early infantile epileptic encephalopathy 14. Identifiers: Orphanet 293181, MedGen C3554195, MONDO:0013989, OMIM 614959.

gnomAD v4.1: 1 of 1,613,014 alleles (0.000062%); highest among the groups gnomAD compares: Admixed American, 0.0017%; no homozygotes.

Submission:

Labcorp Genetics (formerly Invitae), Labcorp
Classification: Uncertain significance for Autosomal dominant nocturnal frontal lobe epilepsy 5; Developmental and epileptic encephalopathy, 14. Last evaluated: 2025-01-28. Review status: criteria provided, single submitter. Criteria: Invitae Variant Classification Sherloc (09022015). Collection method: clinical testing. Allele origin: germline.
Comment: This sequence change replaces asparagine, which is neutral and polar, with serine, which is neutral and polar, at codon 119 of the KCNT1 protein (p.Asn119Ser). This variant is present in population databases (no rsID available, gnomAD 0.003%). This variant has not been reported in the literature in individuals affected with KCNT1-related conditions. Invitae Evidence Modeling of protein sequence and biophysical properties (such as structural, functional, and spatial information, amino acid conservation, physicochemical variation, residue mobility, and thermodynamic stability) indicates that this missense variant is not expected to disrupt KCNT1 protein function with a negative predictive value of 80%. In summary, the available evidence is currently insufficient to determine the role of this variant in disease. Therefore, it has been classified as a Variant of Uncertain Significance.

NM_020822.3(KCNT1):c.356A>G (p.Asn119Ser)

Gene: KCNT1 (potassium sodium-activated channel subfamily T member 1; plus strand). Cytogenetic location: 9q34.3.
Variant type: single nucleotide variant.
Coding change: c.356A>G on transcript NM_020822.3 (MANE Select); coding-DNA position 356, A replaced by G.
Protein change: p.Asn119Ser; replaces asparagine 119 with serine.
Molecular consequence: missense variant.
Genome position (GRCh38, 1-based): chr9:135,750,963, A>G. VCF-style: chr9-135750963-A-G. GRCh37 (hg19) VCF-style: chr9-138642809-A-G.
Other names: c.212A>G, p.Asn71Ser (NM_001272003.2); short protein forms N119S, N71S.
Identifiers: ClinVar variation 3762625 (VCV003762625.2).
Genomic context (GRCh38, chr9:135,750,963, plus strand): 5'-AGCTGGGTCAGAGCCCTGAGGCCGCTGCCCTCCCCGCAGGCCTGAGGATCCGGCTGTTCA[A>G]CTTCTCCCTGAAGCTGCTCACCTGCCTGCTCTACATTGTGCGCGTCCTGCTCGATGACCC-3'
Protein context (NP_065873.2, residues 109-129): QRSSLRIRLF[Asn119Ser]FSLKLLTCLL